The following is an entry in ClinVar:

ClinVar aggregate classification (germline): Uncertain significance (1 of 4 stars; one submission).

Conditions:
Renal cell carcinoma. Identifiers: Orphanet 217071, MedGen C0007134, MeSH D002292, MONDO:0005086, HP:0005584.

Submission:

Labcorp Genetics (formerly Invitae), Labcorp
Classification: Uncertain significance for Renal cell carcinoma. Last evaluated: 2020-08-02. Review status: criteria provided, single submitter. Criteria: Invitae Variant Classification Sherloc (09022015). Collection method: clinical testing. Allele origin: germline.
Comment: Nucleotide substitutions within the consensus splice site are a relatively common cause of aberrant splicing (PMID: 17576681, 9536098). Algorithms developed to predict the effect of sequence changes on RNA splicing suggest that this variant is not likely to affect RNA splicing, but this prediction has not been confirmed by published transcriptional studies. In summary, the available evidence is currently insufficient to determine the role of this variant in disease. Therefore, it has been classified as a Variant of Uncertain Significance. This variant has not been reported in the literature in individuals with MET-related conditions. This variant is not present in population databases (ExAC no frequency). This sequence change falls in intron 8 of the MET gene. It does not directly change the encoded amino acid sequence of the MET protein, but it affects a nucleotide within the consensus splice site of the intron.

Literature cited by the submitters: PubMed 17576681; PubMed 9536098.

NM_000245.4(MET):c.2102+6G>T

Gene: MET (MET proto-oncogene, receptor tyrosine kinase; plus strand). Cytogenetic location: 7q31.2.
Variant type: single nucleotide variant.
Coding change: c.2102+6G>T on transcript NM_000245.4 (MANE Select); 6 bases into the intron after coding-DNA position 2102, G replaced by T.
Molecular consequence: intron variant.
Genome position (GRCh38, 1-based): chr7:116,757,780, G>T. VCF-style: chr7-116757780-G-T. GRCh37 (hg19) VCF-style: chr7-116397834-G-T.
Other names: c.2102+6G>T (NM_001127500.3, NM_001324401.3); c.812+6G>T (NM_001324402.2).
Identifiers: ClinVar variation 839208 (VCV000839208.9), dbSNP rs757561412, ClinGen allele CA916082308.
Genomic context (GRCh38, chr7:116,757,780, plus strand): 5'-ACAGTGGGAATTCTAGACACATTTCAATTGGTGGAAAAACATGTACTTTAAAAAGGTGTT[G>T]TAAATTTATTTTTTGTTGCATCTGTCAATTTGAATTAATATCTGTACCTTAAAAATTAAG-3'